The following is an entry in ClinVar:

NM_018979.4(WNK1):c.6157T>G (p.Ser2053Ala)

Gene: WNK1 (WNK lysine deficient protein kinase 1; plus strand). Cytogenetic location: 12p13.33.
Variant type: single nucleotide variant.
Coding change: c.6157T>G on transcript NM_018979.4 (MANE Select); coding-DNA position 6157, T replaced by G.
Protein change: p.Ser2053Ala; replaces serine 2053 with alanine.
Molecular consequence: missense variant.
Genome position (GRCh38, 1-based): chr12:896,644, T>G. VCF-style: chr12-896644-T-G. GRCh37 (hg19) VCF-style: chr12-1005810-T-G.
Other names: c.6937T>G, p.Ser2313Ala (NM_001184985.2); c.5413T>G, p.Ser1805Ala (NM_014823.3); c.6913T>G, p.Ser2305Ala (NM_213655.5); short protein forms S2313A, S2053A, S1805A, S2305A.
Identifiers: ClinVar variation 1504998 (VCV001504998.6), dbSNP rs2154094811, ClinGen allele CA383336769.

ClinVar aggregate classification (germline): Uncertain significance (1 of 4 stars; one submission).

Conditions:
Neuropathy, hereditary sensory and autonomic, type 2A (HSAN2A). Also called: ACROOSTEOLYSIS, GIACCAI TYPE; ACROOSTEOLYSIS, NEUROGENIC; MORVAN DISEASE; NEUROPATHY, CONGENITAL SENSORY; NEUROPATHY, HEREDITARY SENSORY RADICULAR, AUTOSOMAL RECESSIVE; NEUROPATHY, HEREDITARY SENSORY, TYPE IIA. Identifiers: Orphanet 970, MedGen C2752089, MONDO:0024309, OMIM 201300.
Pseudohypoaldosteronism type 2C (PHA2C). Also called: Pseudohypoaldosteronism Type IIC. Identifiers: Orphanet 757, Orphanet 88940, MedGen C1840391, MONDO:0013778, OMIM 614492.

Submission:

Labcorp Genetics (formerly Invitae), Labcorp
Classification: Uncertain significance for Neuropathy, hereditary sensory and autonomic, type 2A; Pseudohypoaldosteronism type 2C. Last evaluated: 2023-07-07. Review status: criteria provided, single submitter. Criteria: Invitae Variant Classification Sherloc (09022015). Collection method: clinical testing. Allele origin: germline.
Comment: This sequence change replaces serine, which is neutral and polar, with alanine, which is neutral and non-polar, at codon 2305 of the WNK1 protein (p.Ser2305Ala). This variant is not present in population databases (gnomAD no frequency). This variant has not been reported in the literature in individuals affected with WNK1-related conditions. ClinVar contains an entry for this variant (Variation ID: 1504998). Advanced modeling of protein sequence and biophysical properties (such as structural, functional, and spatial information, amino acid conservation, physicochemical variation, residue mobility, and thermodynamic stability) performed at Invitae indicates that this missense variant is not expected to disrupt WNK1 protein function. In summary, the available evidence is currently insufficient to determine the role of this variant in disease. Therefore, it has been classified as a Variant of Uncertain Significance.